The following is an entry in ClinVar:

NM_000053.4(ATP7B):c.2934G>T (p.Val978=)

Gene: ATP7B (ATPase copper transporting beta; minus strand). Cytogenetic location: 13q14.3.
Variant type: single nucleotide variant.
Coding change: c.2934G>T on transcript NM_000053.4 (MANE Select); coding-DNA position 2934, G replaced by T.
Protein change: p.Val978=; no amino-acid change (valine 978 retained).
Molecular consequence: synonymous variant.
Genome position (GRCh38, 1-based): chr13:51,946,410, C>A on the plus strand (G>T on the coding strand, the complement: ATP7B is on the minus strand). VCF-style: chr13-51946410-C-A. GRCh37 (hg19) VCF-style: chr13-52520546-C-A.
Other names: c.2313G>T, p.Val771= (NM_001005918.3); c.2601G>T, p.Val867= (NM_001243182.2); c.2700G>T, p.Val900= (NM_001330578.2); c.2682G>T, p.Val894= (NM_001330579.2).
Identifiers: ClinVar variation 1104134 (VCV001104134.11), dbSNP rs1458543232, ClinGen allele CA483894983.

ClinVar aggregate classification (germline): Likely benign. Review status: criteria provided, multiple submitters, no conflicts (2 of 4 stars). 2 submissions from 2 submitters: Likely benign (2). Last evaluated 2024-04-16.

Conditions:
Wilson disease (WND). Also called: Wilson's disease. Identifiers: Orphanet 905, MedGen C0019202, MONDO:0010200, OMIM 277900. Disease mechanism: loss of function.

Submissions (2):

All of Us Research Program, National Institutes of Health
Classification: Likely benign for Wilson disease. Last evaluated: 2024-04-16. Review status: criteria provided, single submitter. Criteria: ACMG Guidelines, 2015. Collection method: clinical testing. Allele origin: germline. Inheritance: Autosomal recessive inheritance. Observed: 1 variant allele, 1 heterozygote.
Comment: This study involves interpretation of variants in research participants for the purpose of population health screening. Participant phenotype was not available at the time of variant classification. Additional details can be found in publication PMID: 35346344, PMCID: PMC8962531

Labcorp Genetics (formerly Invitae), Labcorp
Classification: Likely benign for Wilson disease. Last evaluated: 2022-02-09. Review status: criteria provided, single submitter. Criteria: Invitae Variant Classification Sherloc (09022015). Collection method: clinical testing. Allele origin: germline.